The following is an entry in ClinVar:

ClinVar aggregate classification (germline): Likely pathogenic. Review status: criteria provided, multiple submitters, no conflicts (2 of 4 stars). 2 submissions from 2 submitters: Likely pathogenic (2). Last evaluated 2025-08-11.

Submissions (2):

GeneDx
Classification: Likely pathogenic. Last evaluated: 2025-08-11. Review status: criteria provided, single submitter. Criteria: GeneDx Variant Classification Process June 2021. Collection method: clinical testing. Allele origin: germline. Affected: yes.
Comment: Frameshift variant predicted to result in protein truncation or nonsense mediated decay in a gene for which loss of function is a known mechanism of disease; Not observed at significant frequency in large population cohorts (gnomAD); Has not been previously published as pathogenic or benign to our knowledge

PreventionGenetics, part of Exact Sciences
Classification: Likely pathogenic. Last evaluated: 2013-10-10. Review status: criteria provided, single submitter. Criteria: ACMG Guidelines, 2015. Collection method: clinical testing. Allele origin: germline.

NM_194454.3(KRIT1):c.141_145del (p.Arg49fs)

Gene: KRIT1 (KRIT1 ankyrin repeat containing; minus strand). Cytogenetic location: 7q21.2.
Variant type: Deletion.
Coding change: c.141_145del on transcript NM_194454.3 (MANE Select); coding-DNA positions 141 to 145, 5 bases deleted (AAAGA; older notation c.141_145delAAAGA).
Protein change: p.Arg49fs; shifts the reading frame from arginine 49.
Molecular consequence: frameshift variant. On other transcripts: 5 prime UTR variant (1).
Genome position (GRCh38, 1-based): chr7:92,241,110-92,241,114, TCTTT deleted on the plus strand (AAAGA on the coding strand, the reverse complement: KRIT1 is on the minus strand); deleting any 5 consecutive bases within chr7:92,241,110-92,241,115 gives the same sequence; the c. name uses the placement nearest the transcript's 3' end. VCF-style (leftmost placement, unchanged base first): chr7-92241109-CTCTTT-C. GRCh37 (hg19) VCF-style: chr7-91870423-CTCTTT-C.
Other names: c.141_145del5 (NM_194456.1); c.141_145del, p.Arg49fs (NM_001350689.1, NM_001350690.1, NM_001350691.1 and 29 more transcripts); c.-443_-439del (NM_001350671.1); short protein forms R49fs.
Identifiers: ClinVar variation 590703 (VCV000590703.8), dbSNP rs770594592, ClinGen allele CA4339463.